The following is an entry in ClinVar:

ClinVar aggregate classification (germline): Conflicting classifications of pathogenicity. Review status: criteria provided, conflicting classifications (1 of 4 stars). 5 submissions from 5 submitters: Likely pathogenic (1); Uncertain significance (4). Last evaluated 2025-12-08.

Conditions:
Progressive sclerosing poliodystrophy (MTDPS4A). Also called: Alpers Syndrome; Mitochondrial DNA Depletion Syndrome 4A; Alpers-Huttenlocher Syndrome (AHS); Mitochondrial DNA depletion syndrome 4A (Alpers type); ALPERS DIFFUSE DEGENERATION OF CEREBRAL GRAY MATTER WITH HEPATIC CIRRHOSIS; Alpers-Huttenlocher Syndrome. Identifiers: Orphanet 726, MedGen C0205710, MONDO:0008758, OMIM 203700.
Progressive external ophthalmoplegia with mitochondrial DNA deletions, autosomal dominant 1 (PEOA1). Also called: PROGRESSIVE EXTERNAL OPHTHALMOPLEGIA, AUTOSOMAL DOMINANT 1; Autosomal Dominant Progressive External Ophthalmoplegia (adPEO). Identifiers: MedGen C1834846, MONDO:0024528, OMIM 157640.
Progressive external ophthalmoplegia with mitochondrial DNA deletions, autosomal recessive 1 (PEOB1). Also called: Progressive external ophthalmoplegia, autosomal recessive 1; Autosomal Recessive Progressive External Ophthalmoplegia (arPEO). Identifiers: Orphanet 254886, MedGen C4225153, MONDO:0009783, OMIM 258450.
Mitochondrial DNA depletion syndrome 1. Also called: Mitochondrial DNA depletion syndrome 1 (MNGIE type); Mitochondrial neurogastrointestinal encephalomyopathy syndrome; Mitochondrial Neurogastrointestinal Encephalopathy Disease; MITOCHONDRIAL NEUROGASTROINTESTINAL ENCEPHALOPATHY SYNDROME, TYMP-RELATED; MNGIE, TYMP-RELATED; Mitochondrial DNA Depletion Syndrome, MNGIE Form. Identifiers: Orphanet 298, MedGen C4551995, MONDO:0011283, OMIM 603041.
Sensory ataxic neuropathy, dysarthria, and ophthalmoparesis (SANDO). Also called: Sensory ataxic neuropathy-dysarthria-ophthalmoparesis syndrome; Epilepsy, progressive myoclonic, type 5; SENSORY ATAXIC NEUROPATHY WITH MITOCHONDRIAL DNA DELETIONS, AUTOSOMAL RECESSIVE; Ataxia Neuropathy Spectrum (ANS). Identifiers: Orphanet 70595, MedGen C1843851, MONDO:0011835, OMIM 607459.
Mitochondrial DNA depletion syndrome 4b. Also called: Mitochondrial Neurogastrointestinal Encephalopathy Disease, POLG-Related; MNGIE, POLG-RELATED. Identifiers: Orphanet 298, MedGen C3150914, MONDO:0013350, OMIM 613662.
POLG-related disorder. Also called: POLG-related condition; POLG-Related Disorders; POLG-Related Spectrum Disorders. Identifiers: MedGen C4763519.

Allele frequency attached by ClinVar (database versions not stated): TOPMed 0.00001.
gnomAD v4.1: 41 of 1,614,032 alleles (0.0025%); highest among the groups gnomAD compares: South Asian, 0.0088%; no homozygotes.

Submissions (5):

Labcorp Genetics (formerly Invitae), Labcorp
Classification: Likely pathogenic for Progressive sclerosing poliodystrophy. Last evaluated: 2025-12-08. Review status: criteria provided, single submitter. Criteria: Invitae Variant Classification Sherloc (09022015). Collection method: clinical testing. Allele origin: germline.
Comment: This sequence change replaces glycine, which is neutral and non-polar, with tryptophan, which is neutral and slightly polar, at codon 1051 of the POLG protein (p.Gly1051Trp). This variant is present in population databases (rs121918049, gnomAD 0.01%). This variant has not been reported in the literature in individuals affected with POLG-related conditions. ClinVar contains an entry for this variant (Variation ID: 888159). Invitae Evidence Modeling of protein sequence and biophysical properties (such as structural, functional, and spatial information, amino acid conservation, physicochemical variation, residue mobility, and thermodynamic stability) indicates that this missense variant is expected to disrupt POLG protein function with a positive predictive value of 95%. This variant disrupts the p.Gly1051 amino acid residue in POLG. Other variant(s) that disrupt this residue have been determined to be pathogenic (PMID: 14745080, 28130605, 30818899). This suggests that this residue is clinically significant, and that variants that disrupt this residue are likely to be disease-causing. In summary, the currently available evidence indicates that the variant is pathogenic, but additional data are needed to prove that conclusively. Therefore, this variant has been classified as Likely Pathogenic.

GeneDx
Classification: Uncertain significance. Last evaluated: 2023-02-17. Review status: criteria provided, single submitter. Criteria: GeneDx Variant Classification Process June 2021. Collection method: clinical testing. Allele origin: germline. Affected: yes.
Comment: Has not been previously published as pathogenic or benign to our knowledge; Not observed at significant frequency in large population cohorts (gnomAD); In silico analysis supports that this missense variant has a deleterious effect on protein structure/function

Genetics and Molecular Pathology, SA Pathology
Classification: Uncertain significance for Progressive external ophthalmoplegia with mitochondrial DNA deletions, autosomal recessive 1. Last evaluated: 2022-05-27. Review status: criteria provided, single submitter. Criteria: ACMG Guidelines, 2015. Collection method: clinical testing. Allele origin: germline. Affected: yes.

Fulgent Genetics
Classification: Uncertain significance for Progressive external ophthalmoplegia with mitochondrial DNA deletions, autosomal dominant 1; Progressive sclerosing poliodystrophy; Progressive external ophthalmoplegia with mitochondrial DNA deletions, autosomal recessive 1; Mitochondrial DNA depletion syndrome 1; Sensory ataxic neuropathy, dysarthria, and ophthalmoparesis; Mitochondrial DNA depletion syndrome 4b. Last evaluated: 2022-03-15. Review status: criteria provided, single submitter. Criteria: ACMG Guidelines, 2015. Collection method: clinical testing. Allele origin: unknown.

Illumina Laboratory Services, Illumina
Classification: Uncertain significance for POLG-Related Spectrum Disorders. Last evaluated: 2017-04-27. Review status: criteria provided, single submitter. Criteria: ICSL Variant Classification Criteria 13 December 2019. Collection method: clinical testing. Allele origin: germline.

Literature cited by the submitters: PubMed 14745080 (cited by Labcorp Genetics (formerly Invitae), Labcorp); PubMed 28130605 (cited by Labcorp Genetics (formerly Invitae), Labcorp); PubMed 30818899 (cited by Labcorp Genetics (formerly Invitae), Labcorp).

NM_002693.3(POLG):c.3151G>T (p.Gly1051Trp)

Gene: POLG (DNA polymerase gamma, catalytic subunit; minus strand). Cytogenetic location: 15q26.1.
Variant type: single nucleotide variant.
Coding change: c.3151G>T on transcript NM_002693.3 (MANE Select); coding-DNA position 3151, G replaced by T.
Protein change: p.Gly1051Trp; replaces glycine 1051 with tryptophan.
Molecular consequence: missense variant.
Genome position (GRCh38, 1-based): chr15:89,319,053, C>A on the plus strand (G>T on the coding strand, the complement: POLG is on the minus strand). VCF-style: chr15-89319053-C-A. GRCh37 (hg19) VCF-style: chr15-89862284-C-A.
Other names: c.3151G>T, p.Gly1051Trp (NM_001126131.2); short protein forms G1051W.
Identifiers: ClinVar variation 888159 (VCV000888159.15), dbSNP rs121918049, ClinGen allele CA7724223.
Genomic context (GRCh38, chr15:89,319,053, plus strand): 5'-GTGGTATGTCAGACGTAGCAATGCTCTCAAGCTTATTGAACATTTCTGACTCTGTGCCCC[C>A]CTTCCATGCCCGTTCAGCAACCACCTCCCACTTCTTCCACTGTGACCTAAGGGACCAGAA-3'
Protein context (NP_002684.1, residues 1041-1061): WEVVAERAWK[Gly1051Trp]GTESEMFNKL